The following is an entry in ClinVar:

NM_033028.5(BBS4):c.1107-10_1107-7del

Gene: BBS4 (Bardet-Biedl syndrome 4; plus strand). Cytogenetic location: 15q24.1.
Variant type: Microsatellite.
Coding change: c.1107-10_1107-7del on transcript NM_033028.5 (MANE Select); 10 bases into the intron before coding-DNA position 1107 through 7 bases into the intron before coding-DNA position 1107, 4 bases deleted (TCTG; older notation c.1107-10_1107-7delTCTG).
Molecular consequence: intron variant.
Genome position (GRCh38, 1-based): chr15:72,735,815-72,735,818, TCTG deleted; deleting any 4 consecutive bases within chr15:72,735,811-72,735,818 gives the same sequence; the c. name uses the placement nearest the transcript's 3' end. VCF-style (leftmost placement, unchanged base first): chr15-72735810-CTCTG-C. GRCh37 (hg19) VCF-style: chr15-73028151-CTCTG-C.
Other names: c.1038-10_1038-7del (NM_001320665.2); c.591-10_591-7del (NM_001252678.2); c.1107-10_1107-7delTCTG (NM_033028.4).
Identifiers: ClinVar variation 813022 (VCV000813022.21), dbSNP rs770577174, ClinGen allele CA7646911.

ClinVar aggregate classification (germline): Conflicting classifications of pathogenicity. Review status: criteria provided, conflicting classifications (1 of 4 stars). 5 submissions from 5 submitters: Pathogenic (1); Likely pathogenic (1); Uncertain significance (2). 1 of the submissions does not count toward it. Last evaluated 2024-05-31.

Conditions:
Retinitis pigmentosa (RP). Identifiers: Orphanet 791, MedGen C0035334, MeSH D012174, MONDO:0019200, OMIM 268000. Inheritance: Autosomal dominant, autosomal recessive and X linked inheritance.
BBS4-related disorder. Also called: BBS4-related condition.
Retinal dystrophy. Also called: Inherited retinal dystrophy. Identifiers: Orphanet 71862, MedGen C0854723, MeSH D058499, MONDO:0019118, HP:0000556.
Bardet-Biedl syndrome (BBS). Identifiers: Orphanet 110, MedGen C0752166, MONDO:0015229.

Submissions (5):

Blueprint Genetics
Classification: Uncertain significance. Last evaluated: 2024-05-31. Review status: criteria provided, single submitter. Criteria: ACMG Guidelines, 2015. Collection method: clinical testing. Allele origin: germline.

Labcorp Genetics (formerly Invitae), Labcorp
Classification: Uncertain significance for Bardet-Biedl syndrome. Last evaluated: 2022-08-16. Review status: criteria provided, single submitter. Criteria: Invitae Variant Classification Sherloc (09022015). Collection method: clinical testing. Allele origin: germline.
Comment: This sequence change falls in intron 13 of the BBS4 gene. It does not directly change the encoded amino acid sequence of the BBS4 protein. This variant is present in population databases (rs770577174, gnomAD 0.003%). This variant has not been reported in the literature in individuals affected with BBS4-related conditions. ClinVar contains an entry for this variant (Variation ID: 813022). Algorithms developed to predict the effect of sequence changes on RNA splicing suggest that this variant may disrupt the consensus splice site. In summary, the available evidence is currently insufficient to determine the role of this variant in disease. Therefore, it has been classified as a Variant of Uncertain Significance.

Institute of Human Genetics, Univ. Regensburg, Univ. Regensburg
Classification: Likely pathogenic for Retinal dystrophy. Last evaluated: 2022-01-01. Review status: criteria provided, single submitter. Criteria: ACMG Guidelines, 2015. Collection method: clinical testing. Allele origin: germline. Affected: yes.

Molecular Genetics Laboratory, Institute for Ophthalmic Research
Classification: Pathogenic for Retinitis pigmentosa. Last evaluated: 2020-01-09. Review status: criteria provided, single submitter. Criteria: ACMG Guidelines, 2015. Collection method: research. Allele origin: germline. Affected: yes.

PreventionGenetics, part of Exact Sciences
Classification: Likely benign for BBS4-related condition. Last evaluated: 2024-08-07. Review status: no assertion criteria provided. Collection method: clinical testing. Allele origin: germline. Not counted in ClinVar's aggregate classification.
Comment: This variant is classified as likely benign based on ACMG/AMP sequence variant interpretation guidelines (Richards et al. 2015 PMID: 25741868, with internal and published modifications).

Literature cited by the submitters: PubMed 32531858 (cited by Institute of Human Genetics, Univ. Regensburg, Univ. Regensburg).